The following is an entry in ClinVar:

NM_005198.5(CHKB):c.847G>A (p.Glu283Lys)

Genes: CHKB (choline kinase beta; minus strand), CHKB-CPT1B (CHKB-CPT1B readthrough (NMD candidate); minus strand). Cytogenetic location: 22q13.33.
Variant type: single nucleotide variant.
Coding change: c.847G>A on transcript NM_005198.5 (MANE Select); coding-DNA position 847, G replaced by A.
Protein change: p.Glu283Lys; replaces glutamic acid 283 with lysine.
Molecular consequence: missense variant. On other transcripts: non-coding transcript variant (1).
Genome position (GRCh38, 1-based): chr22:50,580,054, C>T on the plus strand (G>A on the coding strand, the complement: CHKB is on the minus strand). VCF-style: chr22-50580054-C-T. GRCh37 (hg19) VCF-style: chr22-51018483-C-T.
Other names: short protein forms E283K.
Identifiers: ClinVar variation 4710637 (VCV004710637.1).

ClinVar aggregate classification (germline): Uncertain significance (1 of 4 stars; one submission).

Conditions:
Megaconial type congenital muscular dystrophy (MDCMC). Also called: CHKB-Related Muscular Dystrophy; CHKB-Related Muscle Diseases; MUSCULAR DYSTROPHY, CONGENITAL, WITH MITOCHONDRIAL STRUCTURAL ABNORMALITIES. Identifiers: Orphanet 280671, MedGen C1865233, MONDO:0011246, OMIM 602541.

Submission:

Labcorp Genetics (formerly Invitae), Labcorp
Classification: Uncertain significance for Megaconial type congenital muscular dystrophy. Last evaluated: 2025-06-01. Review status: criteria provided, single submitter. Criteria: Invitae Variant Classification Sherloc (09022015). Collection method: clinical testing. Allele origin: germline.
Comment: This sequence change replaces glutamic acid, which is acidic and polar, with lysine, which is basic and polar, at codon 283 of the CHKB protein (p.Glu283Lys). This variant is not present in population databases (gnomAD no frequency). This missense change has been observed in individual(s) with congenital muscular dystrophy (PMID: 21665002). Invitae Evidence Modeling of protein sequence and biophysical properties (such as structural, functional, and spatial information, amino acid conservation, physicochemical variation, residue mobility, and thermodynamic stability) indicates that this missense variant is expected to disrupt CHKB protein function with a positive predictive value of 80%. In summary, the available evidence is currently insufficient to determine the role of this variant in disease. Therefore, it has been classified as a Variant of Uncertain Significance.

Literature cited by the submitters: PubMed 21665002.